The following is an entry in ClinVar:

ClinVar aggregate classification (germline): Pathogenic (1 of 4 stars; one submission).

Submission:

Labcorp Genetics (formerly Invitae), Labcorp
Classification: Pathogenic. Last evaluated: 2023-09-12. Review status: criteria provided, single submitter. Criteria: Invitae Variant Classification Sherloc (09022015). Collection method: clinical testing. Allele origin: germline.
Comment: This sequence change creates a premature translational stop signal (p.Ala432Serfs*29) in the ALPK3 gene. It is expected to result in an absent or disrupted protein product. Loss-of-function variants in ALPK3 are known to be pathogenic (PMID: 21441111, 26846950, 27106955, 34263907). This variant is present in population databases (rs765508670, gnomAD 0.0009%). This variant has not been reported in the literature in individuals affected with ALPK3-related conditions. For these reasons, this variant has been classified as Pathogenic.

Literature cited by the submitters: PubMed 21441111; PubMed 26846950; PubMed 27106955; PubMed 34263907.

NM_020778.5(ALPK3):c.688_709del (p.Ala230fs)

Gene: ALPK3 (alpha kinase 3; plus strand). Cytogenetic location: 15q25.3.
Variant type: Deletion.
Coding change: c.688_709del on transcript NM_020778.5 (MANE Select); coding-DNA positions 688 to 709, 22 bases deleted (GCTCAAGCGCCGGGCCCCTCGG).
Protein change: p.Ala230fs; shifts the reading frame from alanine 230.
Molecular consequence: frameshift variant.
Genome position (GRCh38, 1-based): chr15:84,839,967-84,839,988, GCTCAAGCGCCGGGCCCCTCGG deleted; deleting any 22 consecutive bases within chr15:84,839,965-84,839,988 gives the same sequence; the c. name uses the placement nearest the transcript's 3' end. VCF-style (leftmost placement, unchanged base first): chr15-84839964-GGGGCTCAAGCGCCGGGCCCCTC-G. GRCh37 (hg19) VCF-style: chr15-85383195-GGGGCTCAAGCGCCGGGCCCCTC-G.
Other names: short protein forms A230fs.
Identifiers: ClinVar variation 2760365 (VCV002760365.3), dbSNP rs765508670, ClinGen allele CA7709042.